The following is an entry in ClinVar:

NM_005360.5(MAF):c.-30GGC[6]

Gene: MAF (MAF bZIP transcription factor; minus strand). Cytogenetic location: 16q23.2.
Variant type: Microsatellite.
Coding change: c.-30GGC[6] on transcript NM_005360.5 (MANE Select); six copies in a row of the 3-base unit GGC starting at c.-30; the reference has eight copies in a row; two copies, 6 bases deleted.
Molecular consequence: 5 prime UTR variant.
Genome position (GRCh38, 1-based): chr16:79,599,909-79,599,914, GCCGCC deleted on the plus strand (GGCGGC on the coding strand, the reverse complement: MAF is on the minus strand); deleting any 6 consecutive bases within chr16:79,599,909-79,599,934 gives the same sequence; the position shown is the placement nearest the transcript's 3' end. VCF-style (leftmost placement, unchanged base first): chr16-79599908-TGCCGCC-T. GRCh37 (hg19) VCF-style: chr16-79633805-TGCCGCC-T.
Other names: c.-30GGC[6] (NM_001031804.3).
Identifiers: ClinVar variation 2646891 (VCV002646891.25), dbSNP rs5818251, ClinGen allele CA8184114.

ClinVar aggregate classification (germline): Likely benign. Review status: criteria provided, multiple submitters, no conflicts (2 of 4 stars). 2 submissions from 2 submitters: Likely benign (2). Last evaluated 2024-11-27.

Submissions (2):

Blueprint Genetics
Classification: Likely benign. Last evaluated: 2024-11-27. Review status: criteria provided, single submitter. Criteria: ACMG Guidelines, 2015. Collection method: clinical testing. Allele origin: germline.

CeGaT Center for Human Genetics Tuebingen
Classification: Likely benign. Last evaluated: 2024-07-01. Review status: criteria provided, single submitter. Criteria: CeGaT Center For Human Genetics Tuebingen Variant Classification Criteria Version 2. Collection method: clinical testing. Allele origin: germline. Affected: yes. Observed: 2 variant alleles.
Comment: MAF: BS1